The following is an entry in ClinVar:

NM_004655.4(AXIN2):c.1260G>T (p.Gln420His)

Gene: AXIN2 (axin 2; minus strand). Cytogenetic location: 17q24.1.
Variant type: single nucleotide variant.
Coding change: c.1260G>T on transcript NM_004655.4 (MANE Select); coding-DNA position 1260, G replaced by T.
Protein change: p.Gln420His; replaces glutamine 420 with histidine.
Molecular consequence: missense variant.
Genome position (GRCh38, 1-based): chr17:65,537,776, C>A on the plus strand (G>T on the coding strand, the complement: AXIN2 is on the minus strand). VCF-style: chr17-65537776-C-A. GRCh37 (hg19) VCF-style: chr17-63533894-C-A.
Other names: c.1260G>T (LRG_296t1); c.1260G>T, p.Gln420His (NM_001363813.1); short protein forms Q420H.
Identifiers: ClinVar variation 418054 (VCV000418054.22), dbSNP rs771340546, ClinGen allele CA8718697.

ClinVar aggregate classification (germline): Uncertain significance. Review status: criteria provided, multiple submitters, no conflicts (2 of 4 stars). 7 submissions from 7 submitters: Uncertain significance (7). Last evaluated 2026-10-01.

Conditions:
AXIN2-related disorder.
Oligodontia-cancer predisposition syndrome. Also called: TOOTH AGENESIS-COLORECTAL CANCER SYNDROME. Identifiers: Orphanet 300576, MedGen C1837750, MONDO:0012075, OMIM 608615. Disease mechanism: loss of function.
Colorectal cancer. Also called: Colorectal cancer, somatic; Malignant Colorectal Neoplasm. Identifiers: MedGen C0346629, MONDO:0005575, OMIM 114500.
Hereditary cancer-predisposing syndrome. Also called: Tumor predisposition; Neoplastic Syndromes, Hereditary; Hereditary Cancer Syndrome; Hereditary neoplastic syndrome. Identifiers: Orphanet 140162, MedGen C0027672, MeSH D009386, MONDO:0015356.

Allele frequency attached by ClinVar (database versions not stated): gnomAD exomes below 0.00001; TOPMed below 0.00001; ExAC below 0.00001.
gnomAD v4.1: 2 of 1,587,142 alleles (0.00013%); highest among the groups gnomAD compares: Admixed American, 0.0036%; no homozygotes.

Submissions (7):

GeneDx
Classification: Uncertain significance. Last evaluated: 2026-10-01. Review status: criteria provided, single submitter. Criteria: GeneDx Variant Classification Process June 2021. Collection method: clinical testing. Allele origin: germline.
Comment: Not observed at significant frequency in large population cohorts (gnomAD); In silico analysis suggests that this missense variant does not alter protein structure/function; Has not been previously published as pathogenic or benign to our knowledge; This variant is associated with the following publications: (PMID: 15735151)

Labcorp Genetics (formerly Invitae), Labcorp
Classification: Uncertain significance for Oligodontia-cancer predisposition syndrome. Last evaluated: 2025-12-01. Review status: criteria provided, single submitter. Criteria: Invitae Variant Classification Sherloc (09022015). Collection method: clinical testing. Allele origin: germline.
Comment: This sequence change replaces glutamine, which is neutral and polar, with histidine, which is basic and polar, at codon 420 of the AXIN2 protein (p.Gln420His). This variant is present in population databases (rs771340546, gnomAD 0.003%). This variant has not been reported in the literature in individuals affected with AXIN2-related conditions. ClinVar contains an entry for this variant (Variation ID: 418054). Invitae Evidence Modeling of protein sequence and biophysical properties (such as structural, functional, and spatial information, amino acid conservation, physicochemical variation, residue mobility, and thermodynamic stability) indicates that this missense variant is not expected to disrupt AXIN2 protein function with a negative predictive value of 80%. In summary, the available evidence is currently insufficient to determine the role of this variant in disease. Therefore, it has been classified as a Variant of Uncertain Significance.

Ambry Genetics
Classification: Uncertain significance for Hereditary cancer-predisposing syndrome. Last evaluated: 2025-10-05. Review status: criteria provided, single submitter. Criteria: Ambry Variant Classification Scheme 2023. Collection method: clinical testing. Allele origin: germline.
Comment: The p.Q420H variant (also known as c.1260G>T), located in coding exon 5 of the AXIN2 gene, results from a G to T substitution at nucleotide position 1260. The glutamine at codon 420 is replaced by histidine, an amino acid with highly similar properties. This amino acid position is not well conserved in available vertebrate species. In addition, this alteration is predicted to be tolerated by in silico analysis. Since supporting evidence is limited at this time, the clinical significance of this alteration remains unclear.

PreventionGenetics, part of Exact Sciences
Classification: Uncertain significance for AXIN2-related condition. Last evaluated: 2025-07-23. Review status: criteria provided, single submitter. Criteria: ACMG Guidelines, 2015. Collection method: clinical testing. Allele origin: germline.
Comment: The AXIN2 c.1260G>T variant is predicted to result in the amino acid substitution p.Gln420His. To our knowledge, this variant has not been reported in the literature. This variant is reported in 0.0033% of alleles in individuals of Latino descent in gnomAD, and is interpreted as uncertain in ClinVar (Variation ID: 418054). At this time, the clinical significance of this variant is uncertain due to the absence of conclusive functional and genetic evidence.

St. Jude Molecular Pathology, St. Jude Children's Research Hospital
Classification: Uncertain significance for Oligodontia-cancer predisposition syndrome. Last evaluated: 2024-06-27. Review status: criteria provided, single submitter. Criteria: St. Jude Assertion Criteria 2020. Collection method: clinical testing. Allele origin: germline.
Comment: The AXIN2 c.1260G>T (p.Gln420His) missense change has a maximum subpopulation frequency of 0.003% in gnomAD v2.1.1. The in silico tool predicts a benign effect on protein function, but to our knowledge this prediction has not been confirmed by functional studies. To our knowledge, this variant has not been reported in the literature in individuals with oligodontia-cancer predisposition syndrome. In summary, the evidence currently available is insufficient to determine the clinical significance of this variant. It has therefore been classified as of uncertain significance.

Baylor Genetics
Classification: Uncertain significance for Colorectal cancer. Last evaluated: 2023-12-03. Review status: criteria provided, single submitter. Criteria: ACMG Guidelines, 2015. Collection method: clinical testing. Allele origin: unknown.

Sema4
Classification: Uncertain significance for Hereditary cancer-predisposing syndrome. Last evaluated: 2022-03-15. Review status: criteria provided, single submitter. Criteria: Sema4 Curation Guidelines. Collection method: curation. Allele origin: germline.
Comment: The AXIN2 c.1260G>T(p.Q420H) variant has not been reported in the literature to our knowledge. It was observed in 1/29998 chromosomes of the Latino subpopulation in the Genome Aggregation Database (PMID 32461654). This variant has been reported in ClinVar (Variation ID 418054). Functional studies have not been performed, and in silico predictions of the variant's effect on protein function are inconclusive. The evidence is insufficient to meet ACMG/AMP criteria for classifying the variant as benign or pathogenic. Thus, the clinical significance of this variant is currently uncertain.